The following is an entry in ClinVar:

ClinVar aggregate classification (germline): Uncertain significance. Review status: criteria provided, multiple submitters, no conflicts (2 of 4 stars). 2 submissions from 2 submitters: Uncertain significance (2). Last evaluated 2024-05-21.

Conditions:
Inborn genetic diseases. Identifiers: MedGen C0950123, MeSH D030342.
Early-infantile DEE. Also called: Early infantile epileptic encephalopathy; Ohtahara syndrome; Early infantile epileptic encephalopathy with suppression bursts. Identifiers: Orphanet 1934, MedGen C0393706, MONDO:0800491.

Allele frequency attached by ClinVar (database versions not stated): gnomAD exomes below 0.00001 and 0.00002; TOPMed 0.00001.
gnomAD v4.1: 24 of 1,614,056 alleles (0.0015%); highest among the groups gnomAD compares: Non-Finnish European, 0.002%; no homozygotes.

Submissions (2):

Labcorp Genetics (formerly Invitae), Labcorp
Classification: Uncertain significance for Early-infantile DEE. Last evaluated: 2024-05-21. Review status: criteria provided, single submitter. Criteria: Invitae Variant Classification Sherloc (09022015). Collection method: clinical testing. Allele origin: germline.
Comment: This sequence change replaces tyrosine, which is neutral and polar, with histidine, which is basic and polar, at codon 2362 of the SPTAN1 protein (p.Tyr2362His). This variant is present in population databases (no rsID available, gnomAD 0.0009%). This variant has not been reported in the literature in individuals affected with SPTAN1-related conditions. ClinVar contains an entry for this variant (Variation ID: 1401458). Advanced modeling of protein sequence and biophysical properties (such as structural, functional, and spatial information, amino acid conservation, physicochemical variation, residue mobility, and thermodynamic stability) has been performed at Invitae for this missense variant, however the output from this modeling did not meet the statistical confidence thresholds required to predict the impact of this variant on SPTAN1 protein function. In summary, the available evidence is currently insufficient to determine the role of this variant in disease. Therefore, it has been classified as a Variant of Uncertain Significance.

Ambry Genetics
Classification: Uncertain significance for Inborn genetic diseases. Last evaluated: 2023-03-06. Review status: criteria provided, single submitter. Criteria: Ambry Variant Classification Scheme 2023. Collection method: clinical testing. Allele origin: germline.

NM_001130438.3(SPTAN1):c.7084T>C (p.Tyr2362His)

Gene: SPTAN1 (spectrin alpha, non-erythrocytic 1; plus strand). Cytogenetic location: 9q34.11.
Variant type: single nucleotide variant.
Coding change: c.7084T>C on transcript NM_001130438.3 (MANE Select); coding-DNA position 7084, T replaced by C.
Protein change: p.Tyr2362His; replaces tyrosine 2362 with histidine.
Molecular consequence: missense variant.
Genome position (GRCh38, 1-based): chr9:128,632,642, T>C. VCF-style: chr9-128632642-T-C. GRCh37 (hg19) VCF-style: chr9-131394921-T-C.
Other names: c.7009T>C, p.Tyr2337His (NM_001195532.2); c.7147T>C, p.Tyr2383His (NM_001363759.2); c.7024T>C, p.Tyr2342His (NM_001363765.2, NM_001375314.2); c.7171T>C, p.Tyr2391His (NM_001375310.1); c.7084T>C, p.Tyr2362His (NM_001375311.2); c.7120T>C, p.Tyr2374His (NM_001375312.2); c.7066T>C, p.Tyr2356His (NM_001375313.1); c.7183T>C, p.Tyr2395His (NM_001375318.1); and 2 more; short protein forms Y2395H, Y2337H, Y2357H, Y2374H, Y2383H, Y2342H, Y2356H, Y2362H.
Identifiers: ClinVar variation 1401458 (VCV001401458.10), dbSNP rs957046231, ClinGen allele CA200413099.